The following is an entry in ClinVar:

ClinVar aggregate classification (germline): Uncertain significance. Review status: criteria provided, multiple submitters, no conflicts (2 of 4 stars). 2 submissions from 2 submitters: Uncertain significance (2). Last evaluated 2025-04-10.

Submissions (2):

Labcorp Genetics (formerly Invitae), Labcorp
Classification: Uncertain significance. Last evaluated: 2025-04-10. Review status: criteria provided, single submitter. Criteria: Invitae Variant Classification Sherloc (09022015). Collection method: clinical testing. Allele origin: germline.
Comment: This sequence change replaces valine, which is neutral and non-polar, with leucine, which is neutral and non-polar, at codon 130 of the CRAT protein (p.Val130Leu). This variant is present in population databases (rs199566104, gnomAD 0.02%). This variant has not been reported in the literature in individuals affected with CRAT-related conditions. ClinVar contains an entry for this variant (Variation ID: 2139066). Invitae Evidence Modeling of protein sequence and biophysical properties (such as structural, functional, and spatial information, amino acid conservation, physicochemical variation, residue mobility, and thermodynamic stability) indicates that this missense variant is not expected to disrupt CRAT protein function with a negative predictive value of 80%. In summary, the available evidence is currently insufficient to determine the role of this variant in disease. Therefore, it has been classified as a Variant of Uncertain Significance.

Ambry Genetics
Classification: Uncertain significance. Last evaluated: 2024-12-11. Review status: criteria provided, single submitter. Criteria: Ambry Variant Classification Scheme 2023. Collection method: clinical testing. Allele origin: germline.

NM_000755.5(CRAT):c.388G>C (p.Val130Leu)

Gene: CRAT (carnitine O-acetyltransferase; minus strand). Cytogenetic location: 9q34.11.
Variant type: single nucleotide variant.
Coding change: c.388G>C on transcript NM_000755.5 (MANE Select); coding-DNA position 388, G replaced by C.
Protein change: p.Val130Leu; replaces valine 130 with leucine.
Molecular consequence: missense variant.
Genome position (GRCh38, 1-based): chr9:129,104,210, C>G on the plus strand (G>C on the coding strand, the complement: CRAT is on the minus strand). VCF-style: chr9-129104210-C-G. GRCh37 (hg19) VCF-style: chr9-131866489-C-G.
Other names: c.325G>C, p.Val109Leu (NM_001257363.3, NM_001346548.2, NM_004003.4); c.391G>C, p.Val131Leu (NM_001346546.2); c.388G>C, p.Val130Leu (NM_001346547.2); c.268G>C, p.Val90Leu (NM_001346549.2); c.388G>C (NM_000755.3); short protein forms V131L, V109L, V130L, V90L.
Identifiers: ClinVar variation 2139066 (VCV002139066.5), dbSNP rs199566104, ClinGen allele CA5275782.
Genomic context (GRCh38, chr9:129,104,210, plus strand): 5'-CCCGGCTGCCTCCTGGCCCCCAAACCCCAGCCACTCACCGGAGCTGACCCTGCAGGTCCA[C>G]GAAGTCCTGCTTGGGTAGCATCACGCCTGGGCTCGAGTAGATGACCACAGGCTGGCGGTA-3'
Protein context (NP_000746.3, residues 120-140): PGVMLPKQDF[Val130Leu]DLQGQLRFAA